The following is an entry in ClinVar:

NM_000051.4(ATM):c.8787-65G>A

Genes: ATM (ATM serine/threonine kinase; plus strand), C11orf65 (chromosome 11 open reading frame 65; minus strand). Cytogenetic location: 11q22.3.
Variant type: single nucleotide variant.
Coding change: c.8787-65G>A on transcript NM_000051.4 (MANE Select); 65 bases into the intron before coding-DNA position 8787, G replaced by A.
Molecular consequence: intron variant.
Genome position (GRCh38, 1-based): chr11:108,354,746, G>A. VCF-style: chr11-108354746-G-A. GRCh37 (hg19) VCF-style: chr11-108225473-G-A.
Other names: c.8787-65G>A (NM_001351834.2); c.640+31174C>T (NM_001330368.2); c.695-19454C>T (NM_001351110.2).
Identifiers: ClinVar variation 4083531 (VCV004083531.8).

ClinVar aggregate classification (germline): Likely benign (1 of 4 stars; one submission).

gnomAD v4.1: 10,246 of 1,353,726 alleles (0.76%); highest among the groups gnomAD compares: Non-Finnish European, 0.95%; 56 homozygotes.

Submission:

CeGaT Center for Human Genetics Tuebingen
Classification: Likely benign. Last evaluated: 2026-09-01. Review status: criteria provided, single submitter. Criteria: CeGaT Center For Human Genetics Tuebingen Variant Classification Criteria Version 2. Collection method: clinical testing. Allele origin: germline. Affected: yes. Observed: 36 variant alleles.
Comment: ATM: BS2